The following is an entry in ClinVar:

ClinVar aggregate classification (germline): Uncertain significance (1 of 4 stars; one submission).

Allele frequency attached by ClinVar (database versions not stated): TOPMed below 0.00001; ExAC 0.00001; gnomAD 0.00001.
gnomAD v4.1: 2 of 1,585,432 alleles (0.00013%); highest among the groups gnomAD compares: African/African-American, 0.0014%; no homozygotes.

Submission:

Labcorp Genetics (formerly Invitae), Labcorp
Classification: Uncertain significance. Last evaluated: 2023-10-03. Review status: criteria provided, single submitter. Criteria: Invitae Variant Classification Sherloc (09022015). Collection method: clinical testing. Allele origin: germline.
Comment: This sequence change replaces phenylalanine, which is neutral and non-polar, with valine, which is neutral and non-polar, at codon 67 of the RNF13 protein (p.Phe67Val). This variant is not present in population databases (gnomAD no frequency). This variant has not been reported in the literature in individuals affected with RNF13-related conditions. ClinVar contains an entry for this variant (Variation ID: 1926869). Advanced modeling of protein sequence and biophysical properties (such as structural, functional, and spatial information, amino acid conservation, physicochemical variation, residue mobility, and thermodynamic stability) performed at Invitae indicates that this missense variant is not expected to disrupt RNF13 protein function. In summary, the available evidence is currently insufficient to determine the role of this variant in disease. Therefore, it has been classified as a Variant of Uncertain Significance.

NM_183381.3(RNF13):c.199T>G (p.Phe67Val)

Gene: RNF13 (ring finger protein 13; plus strand). Cytogenetic location: 3q25.1.
Variant type: single nucleotide variant.
Coding change: c.199T>G on transcript NM_183381.3 (MANE Select); coding-DNA position 199, T replaced by G.
Protein change: p.Phe67Val; replaces phenylalanine 67 with valine.
Molecular consequence: missense variant. On other transcripts: 5 prime UTR variant (6), non-coding transcript variant (1).
Genome position (GRCh38, 1-based): chr3:149,872,032, T>G. VCF-style: chr3-149872032-T-G. GRCh37 (hg19) VCF-style: chr3-149589819-T-G.
Other names: c.199T>G, p.Phe67Val (NM_001378285.1, NM_001378286.1, NM_007282.4); c.-169T>G (NM_001378287.1, NM_001378288.1, NM_001378289.1 and 2 more transcripts); c.-195T>G (NM_001378291.1); short protein forms F67V.
Identifiers: ClinVar variation 1926869 (VCV001926869.5), dbSNP rs757914682, ClinGen allele CA2662933.